The following is an entry in ClinVar:

NM_004958.4(MTOR):c.5247-8G>A

Gene: MTOR (mechanistic target of rapamycin kinase; minus strand). Cytogenetic location: 1p36.22.
Variant type: single nucleotide variant.
Coding change: c.5247-8G>A on transcript NM_004958.4 (MANE Select); 8 bases into the intron before coding-DNA position 5247, G replaced by A.
Molecular consequence: intron variant.
Genome position (GRCh38, 1-based): chr1:11,133,205, C>T on the plus strand (G>A on the coding strand, the complement: MTOR is on the minus strand). VCF-style: chr1-11133205-C-T. GRCh37 (hg19) VCF-style: chr1-11193262-C-T.
Other names: c.3999-8G>A (NM_001386501.1); c.5247-8G>A (NM_001386500.1, NM_004958.3).
Identifiers: ClinVar variation 1591307 (VCV001591307.10), dbSNP rs550835012, ClinGen allele CA589396.

ClinVar aggregate classification (germline): Likely benign. Review status: criteria provided, single submitter (1 of 4 stars). 2 submissions from 2 submitters: Likely benign (1). 1 of the submissions does not count toward it. Last evaluated 2025-06-19.

Conditions:
MTOR-related disorder. Also called: MTOR-related condition.

Allele frequency attached by ClinVar (database versions not stated): gnomAD 0.00002; gnomAD exomes 0.00009; ExAC 0.00014; 1000 Genomes Project 30x 0.00016; 1000 Genomes Project 0.00020.
gnomAD v4.1: 77 of 1,612,944 alleles (0.0048%); highest among the groups gnomAD compares: South Asian, 0.083%; 1 homozygote.

Submissions (2):

Labcorp Genetics (formerly Invitae), Labcorp
Classification: Likely benign. Last evaluated: 2025-06-19. Review status: criteria provided, single submitter. Criteria: Invitae Variant Classification Sherloc (09022015). Collection method: clinical testing. Allele origin: germline.

PreventionGenetics, part of Exact Sciences
Classification: Likely benign for MTOR-related condition. Last evaluated: 2019-05-02. Review status: no assertion criteria provided. Collection method: clinical testing. Allele origin: germline. Not counted in ClinVar's aggregate classification.
Comment: This variant is classified as likely benign based on ACMG/AMP sequence variant interpretation guidelines (Richards et al. 2015 PMID: 25741868, with internal and published modifications).